The following is an entry in ClinVar:

ClinVar aggregate classification (germline): Uncertain significance (1 of 4 stars; one submission).

Submission:

Labcorp Genetics (formerly Invitae), Labcorp
Classification: Uncertain significance. Last evaluated: 2021-05-06. Review status: criteria provided, single submitter. Criteria: Invitae Variant Classification Sherloc (09022015). Collection method: clinical testing. Allele origin: germline.
Comment: In summary, the available evidence is currently insufficient to determine the role of this variant in disease. Therefore, it has been classified as a Variant of Uncertain Significance. Algorithms developed to predict the effect of missense changes on protein structure and function are either unavailable or do not agree on the potential impact of this missense change (SIFT: "Deleterious"; PolyPhen-2: "Possibly Damaging"; Align-GVGD: "Class C0"). This variant has not been reported in the literature in individuals with PRPF8-related conditions. This variant is not present in population databases (ExAC no frequency). This sequence change replaces serine with cysteine at codon 415 of the PRPF8 protein (p.Ser415Cys). The serine residue is highly conserved and there is a moderate physicochemical difference between serine and cysteine.

NM_006445.4(PRPF8):c.1244C>G (p.Ser415Cys)

Gene: PRPF8 (pre-mRNA processing factor 8; minus strand). Cytogenetic location: 17p13.3.
Variant type: single nucleotide variant.
Coding change: c.1244C>G on transcript NM_006445.4 (MANE Select); coding-DNA position 1244, C replaced by G.
Protein change: p.Ser415Cys; replaces serine 415 with cysteine.
Molecular consequence: missense variant.
Genome position (GRCh38, 1-based): chr17:1,679,654, G>C on the plus strand (C>G on the coding strand, the complement: PRPF8 is on the minus strand). VCF-style: chr17-1679654-G-C. GRCh37 (hg19) VCF-style: chr17-1582948-G-C.
Other names: short protein forms S415C.
Identifiers: ClinVar variation 1366189 (VCV001366189.8), dbSNP rs1237555096, ClinGen allele CA397563116.